The following is an entry in ClinVar:

NM_020937.4(FANCM):c.3959_3969del (p.Leu1320fs)

Gene: FANCM (FA complementation group M; plus strand). Cytogenetic location: 14q21.2.
Variant type: Deletion.
Coding change: c.3959_3969del on transcript NM_020937.4 (MANE Select); coding-DNA positions 3959 to 3969, 11 bases deleted (TGTTATCTCCT).
Protein change: p.Leu1320fs; shifts the reading frame from leucine 1320.
Molecular consequence: frameshift variant.
Genome position (GRCh38, 1-based): chr14:45,176,713-45,176,723, TGTTATCTCCT deleted; deleting any 11 consecutive bases within chr14:45,176,712-45,176,723 gives the same sequence; the c. name uses the placement nearest the transcript's 3' end. VCF-style (leftmost placement, unchanged base first): chr14-45176711-ATTGTTATCTCC-A. GRCh37 (hg19) VCF-style: chr14-45645914-ATTGTTATCTCC-A.
Other names: c.3881_3891del, p.Leu1294fs (NM_001308133.2); short protein forms L1294fs, L1320fs.
Identifiers: ClinVar variation 3667774 (VCV003667774.2).

ClinVar aggregate classification (germline): Pathogenic (1 of 4 stars; one submission).

Conditions:
Fanconi anemia (FA). Also called: Fanconi's anemia. Identifiers: Orphanet 84, MedGen C0015625, MeSH D005199, MONDO:0019391.

Submission:

Labcorp Genetics (formerly Invitae), Labcorp
Classification: Pathogenic for Fanconi anemia. Last evaluated: 2025-01-07. Review status: criteria provided, single submitter. Criteria: Invitae Variant Classification Sherloc (09022015). Collection method: clinical testing. Allele origin: germline.
Comment: This sequence change creates a premature translational stop signal (p.Leu1320Trpfs*20) in the FANCM gene. It is expected to result in an absent or disrupted protein product. Loss-of-function variants in FANCM are known to be pathogenic (PMID: 29895858, 30075111). This variant is not present in population databases (gnomAD no frequency). This variant has not been reported in the literature in individuals affected with FANCM-related conditions. For these reasons, this variant has been classified as Pathogenic.

Literature cited by the submitters: PubMed 29895858; PubMed 30075111.